The following is an entry in ClinVar:

NM_004113.6(FGF12):c.42G>T (p.Arg14Ser)

Gene: FGF12 (fibroblast growth factor 12; minus strand). Cytogenetic location: 3q28.
Variant type: single nucleotide variant.
Coding change: c.42G>T on transcript NM_004113.6 (MANE Select); coding-DNA position 42, G replaced by T.
Protein change: p.Arg14Ser; replaces arginine 14 with serine.
Molecular consequence: missense variant. On other transcripts: 5 prime UTR variant (2), intron variant (1).
Genome position (GRCh38, 1-based): chr3:192,360,510, C>A on the plus strand (G>T on the coding strand, the complement: FGF12 is on the minus strand). VCF-style: chr3-192360510-C-A. GRCh37 (hg19) VCF-style: chr3-192078299-C-A.
Other names: c.-31G>T (NM_001377293.1, NM_001377294.1); c.228G>T, p.Arg76Ser (NM_021032.5); c.14-25046G>T (NM_001377292.1); short protein forms R14S, R76S.
Identifiers: ClinVar variation 4257146 (VCV004257146.2).

ClinVar aggregate classification (germline): Uncertain significance. Review status: criteria provided, multiple submitters, no conflicts (2 of 4 stars). 2 submissions from 2 submitters: Uncertain significance (2). Last evaluated 2025-10-07.

Conditions:
Inborn genetic diseases. Identifiers: MedGen C0950123, MeSH D030342.

gnomAD v4.1: 3 of 1,613,856 alleles (0.00019%); highest among the groups gnomAD compares: Non-Finnish European, 0.00025%; no homozygotes.

Submissions (2):

Labcorp Genetics (formerly Invitae), Labcorp
Classification: Uncertain significance. Last evaluated: 2025-10-07. Review status: criteria provided, single submitter. Criteria: Invitae Variant Classification Sherloc (09022015). Collection method: clinical testing. Allele origin: germline.
Comment: This sequence change replaces arginine, which is basic and polar, with serine, which is neutral and polar, at codon 76 of the FGF12 protein (p.Arg76Ser). This variant is not present in population databases (gnomAD no frequency). This variant has not been reported in the literature in individuals affected with FGF12-related conditions. Invitae Evidence Modeling of protein sequence and biophysical properties (such as structural, functional, and spatial information, amino acid conservation, physicochemical variation, residue mobility, and thermodynamic stability) has been performed for this missense variant. However, the output from this modeling did not meet the statistical confidence thresholds required to predict the impact of this variant on FGF12 protein function. In summary, the available evidence is currently insufficient to determine the role of this variant in disease. Therefore, it has been classified as a Variant of Uncertain Significance.

Ambry Genetics
Classification: Uncertain significance for Inborn genetic diseases. Last evaluated: 2025-09-01. Review status: criteria provided, single submitter. Criteria: Ambry Variant Classification Scheme 2023. Collection method: clinical testing. Allele origin: germline.